The following is an entry in ClinVar:

ClinVar aggregate classification (germline): Pathogenic (1 of 4 stars; one submission).

Submission:

Labcorp Genetics (formerly Invitae), Labcorp
Classification: Pathogenic. Last evaluated: 2022-07-03. Review status: criteria provided, single submitter. Criteria: Invitae Variant Classification Sherloc (09022015). Collection method: clinical testing. Allele origin: germline.
Comment: A gross deletion of the genomic region encompassing the full coding sequence of the DRP2 gene has been identified. Loss-of-function variants in DRP2 are known to be pathogenic (PMID: 22764250, 26227883). The boundaries of this event are unknown as they extend beyond the assayed region for this gene and therefore may encompass additional genes. This variant has not been reported in the literature in individuals affected with DRP2-related conditions. For these reasons, this variant has been classified as Pathogenic.

Literature cited by the submitters: PubMed 22764250; PubMed 26227883.

NC_000023.10:g.(?_100486637)_(100515610_?)del

Gene: DRP2 (dystrophin related protein 2; plus strand). Cytogenetic location: Xq22.1.
Variant type: Deletion.
Identifiers: ClinVar variation 2424325 (VCV002424325.3).